The following is an entry in ClinVar:

ClinVar aggregate classification (germline): Pathogenic (1 of 4 stars; one submission).

Conditions:
Familial focal epilepsy with variable foci (FPEVF). Identifiers: Orphanet 98820, MedGen C1858477, MONDO:0020310.

Submission:

Labcorp Genetics (formerly Invitae), Labcorp
Classification: Pathogenic for Familial focal epilepsy with variable foci. Last evaluated: 2025-04-24. Review status: criteria provided, single submitter. Criteria: Invitae Variant Classification Sherloc (09022015). Collection method: clinical testing. Allele origin: germline.
Comment: This sequence change creates a premature translational stop signal (p.Glu1219Glyfs*11) in the DEPDC5 gene. It is expected to result in an absent or disrupted protein product. Loss-of-function variants in DEPDC5 are known to be pathogenic (PMID: 23542697, 23542701). This variant is not present in population databases (gnomAD no frequency). This variant has not been reported in the literature in individuals affected with DEPDC5-related conditions. ClinVar contains an entry for this variant (Variation ID: 848497). Algorithms developed to predict the effect of sequence changes on RNA splicing suggest that this variant may disrupt the consensus splice site. For these reasons, this variant has been classified as Pathogenic.

Literature cited by the submitters: PubMed 23542697; PubMed 23542701.

NM_001242896.3(DEPDC5):c.3655dup (p.Glu1219fs)

Gene: DEPDC5 (DEP domain containing 5, GATOR1 subcomplex subunit; plus strand). Cytogenetic location: 22q12.3.
Variant type: Duplication.
Coding change: c.3655dup on transcript NM_001242896.3 (MANE Select); coding-DNA position 3655, one base duplicated (G; older notation c.3655dupG).
Protein change: p.Glu1219fs; shifts the reading frame from glutamic acid 1219.
Molecular consequence: frameshift variant. On other transcripts: non-coding transcript variant (4).
Genome position (GRCh38, 1-based): chr22:31,874,364, G duplicated; the last of 2 consecutive G bases (chr22:31,874,363-31,874,364); duplicating either gives the same sequence. VCF-style (leftmost placement, unchanged base first): chr22-31874362-T-TG. GRCh37 (hg19) VCF-style: chr22-32270348-T-TG.
Other names: c.3628dup, p.Glu1210fs (NM_001136029.4); c.3355dup, p.Glu1119fs (NM_001242897.2); c.3589dup, p.Glu1197fs (NM_001363852.2, NM_001364320.2); c.3421dup, p.Glu1141fs (NM_001363854.2, NM_001364319.2); c.3655dup, p.Glu1219fs (NM_001364318.2); c.3571dup, p.Glu1191fs (NM_001369901.1, NM_001369902.1); c.3562dup, p.Glu1188fs (NM_001369903.1, NM_014662.6); short protein forms E1188fs, E1191fs, E1210fs, E1141fs, E1119fs, E1197fs, E1219fs.
Identifiers: ClinVar variation 848497 (VCV000848497.7), dbSNP rs2092933941, ClinGen allele CA916083820.